The following is an entry in ClinVar:

NM_024665.7(TBL1XR1):c.737A>G (p.Asp246Gly)

Genes: TBL1XR1 (TBL1X/Y related 1; minus strand), TBL1XR1-AS1 (TBL1XR1 antisense RNA 1; plus strand). Cytogenetic location: 3q26.32.
Variant type: single nucleotide variant.
Coding change: c.737A>G on transcript NM_024665.7 (MANE Select); coding-DNA position 737, A replaced by G.
Protein change: p.Asp246Gly; replaces aspartic acid 246 with glycine.
Molecular consequence: missense variant.
Genome position (GRCh38, 1-based): chr3:177,047,515, T>C on the plus strand (A>G on the coding strand, the complement: TBL1XR1 is on the minus strand). VCF-style: chr3-177047515-T-C. GRCh37 (hg19) VCF-style: chr3-176765303-T-C.
Other names: c.737A>G, p.Asp246Gly (NM_001321193.3, NM_001321194.3, NM_001374327.1 and 2 more transcripts); c.476A>G, p.Asp159Gly (NM_001321195.3, NM_001374330.1); short protein forms D159G, D246G.
Identifiers: ClinVar variation 3765891 (VCV003765891.2).

ClinVar aggregate classification (germline): Likely pathogenic (1 of 4 stars; one submission).

Conditions:
TBL1XR1-related disorder. Also called: TBL1XR1-related condition; TBL1XR1-related disorders. Identifiers: MedGen CN382633, MONDO:1060313.

Submission:

Department of Human Genetics, University Hospital Bern, Inselspital
Classification: Likely pathogenic for TBL1XR1-related Disorder. Last evaluated: 2025-02-17. Review status: criteria provided, single submitter. Criteria: ACMG Guidelines, 2015. Collection method: clinical testing. Allele origin: de novo. Inheritance: Autosomal dominant inheritance. Affected: yes. Observed: 1 heterozygote.
Comment: PM1, PM2, PP3, PS2_sup.

Literature cited by the submitters: PubMed 38378692.